The following is an entry in ClinVar:

NM_004086.3(COCH):c.890T>G (p.Phe297Cys)

Genes: COCH (cochlin; plus strand), COCH-AS1 (COCH antisense RNA 1; minus strand). Cytogenetic location: 14q12.
Variant type: single nucleotide variant.
Coding change: c.890T>G on transcript NM_004086.3 (MANE Select); coding-DNA position 890, T replaced by G.
Protein change: p.Phe297Cys; replaces phenylalanine 297 with cysteine.
Molecular consequence: missense variant. On other transcripts: non-coding transcript variant (1).
Genome position (GRCh38, 1-based): chr14:30,885,550, T>G. VCF-style: chr14-30885550-T-G. GRCh37 (hg19) VCF-style: chr14-31354756-T-G.
Other names: c.890T>G, p.Phe297Cys (NM_001135058.2); c.1085T>G, p.Phe362Cys (NM_001347720.2); short protein forms F297C, F362C.
Identifiers: ClinVar variation 1353361 (VCV001353361.8), dbSNP rs1312050112, ClinGen allele CA389347799.

ClinVar aggregate classification (germline): Uncertain significance (1 of 4 stars; one submission).

Allele frequency attached by ClinVar (database versions not stated): gnomAD 0.00001.
gnomAD v4.1: 1 of 1,613,194 alleles (0.000062%); highest among the groups gnomAD compares: Non-Finnish European, 0.000085%; no homozygotes.

Submission:

Labcorp Genetics (formerly Invitae), Labcorp
Classification: Uncertain significance. Last evaluated: 2025-12-01. Review status: criteria provided, single submitter. Criteria: Invitae Variant Classification Sherloc (09022015). Collection method: clinical testing. Allele origin: germline.
Comment: This sequence change replaces phenylalanine, which is neutral and non-polar, with cysteine, which is neutral and slightly polar, at codon 297 of the COCH protein (p.Phe297Cys). This variant is present in population databases (no rsID available, gnomAD 0.007%). This variant has not been reported in the literature in individuals affected with COCH-related conditions. ClinVar contains an entry for this variant (Variation ID: 1353361). Invitae Evidence Modeling of protein sequence and biophysical properties (such as structural, functional, and spatial information, amino acid conservation, physicochemical variation, residue mobility, and thermodynamic stability) indicates that this missense variant is expected to disrupt COCH protein function with a positive predictive value of 95%. Algorithms developed to predict the effect of sequence changes on RNA splicing suggest that this variant may create or strengthen a splice site. In summary, the available evidence is currently insufficient to determine the role of this variant in disease. Therefore, it has been classified as a Variant of Uncertain Significance.